The following is an entry in ClinVar:

NM_001006630.2(CHRM2):c.-116C>T

Genes: CHRM2 (cholinergic receptor muscarinic 2; plus strand), LOC349160 (uncharacterized LOC349160; minus strand). Cytogenetic location: 7q33.
Variant type: single nucleotide variant.
Coding change: c.-116C>T on transcript NM_001006630.2 (MANE Select); 116 bases upstream of the start codon, C replaced by T.
Molecular consequence: 5 prime UTR variant. On other transcripts: intron variant (4).
Genome position (GRCh38, 1-based): chr7:136,992,195, C>T. VCF-style: chr7-136992195-C-T. GRCh37 (hg19) VCF-style: chr7-136676942-C-T.
Other names: c.-116C>T (NM_000739.3, NM_001006626.3, NM_001006628.3 and 2 more transcripts); c.-46-22625C>T (NM_001006627.3, NM_001006632.3, NM_001378973.1 and 1 more transcripts).
Identifiers: ClinVar variation 508650 (VCV000508650.1), dbSNP rs79607027, ClinGen allele CA167696109.
Genomic context (GRCh38, chr7:136,992,195, plus strand): 5'-TGTAATTATTTTTACTGTTTCCCACACATGTTTTGTTTCTCTTTTCTACCAGGTTGTTAG[C>T]GACATGAGTACAGGGTCTGGATCTTACCCATTCAAGAGTGTATTCTCAGCACCCAATGCC-3'

ClinVar aggregate classification (germline): Likely benign (1 of 4 stars; one submission).

Allele frequency attached by ClinVar (database versions not stated): 1000 Genomes Project 30x 0.00094; 1000 Genomes Project 0.00100; gnomAD 0.00122 and 0.00131; TOPMed 0.00142.

Submission:

GeneDx
Classification: Likely benign. Last evaluated: 2017-11-15. Review status: criteria provided, single submitter. Criteria: GeneDx Variant Classification (06012015). Collection method: clinical testing. Allele origin: germline. Affected: yes.
Comment: This variant is considered likely benign or benign based on one or more of the following criteria: it is a conservative change, it occurs at a poorly conserved position in the protein, it is predicted to be benign by multiple in silico algorithms, and/or has population frequency not consistent with disease.